The following is an entry in ClinVar:

ClinVar aggregate classification (germline): Pathogenic/Likely pathogenic. Review status: criteria provided, multiple submitters, no conflicts (2 of 4 stars). 2 submissions from 2 submitters: Pathogenic (1); Likely pathogenic (1). Last evaluated 2025-12-10.

Conditions:
COG5-congenital disorder of glycosylation. Also called: CDG IIi; CONGENITAL DISORDER OF GLYCOSYLATION, TYPE IIi; COG5-CDG. Identifiers: Orphanet 263487, MedGen C3150876, MONDO:0013325, OMIM 613612.

Allele frequency attached by ClinVar (database versions not stated): ExAC 0.00001; gnomAD exomes 0.00001 and 0.00002; TOPMed 0.00001.
gnomAD v4.1: 8 of 1,612,948 alleles (0.0005%); highest among the groups gnomAD compares: Admixed American, 0.0033%; no homozygotes.

Submissions (2):

Labcorp Genetics (formerly Invitae), Labcorp
Classification: Pathogenic for COG5-congenital disorder of glycosylation. Last evaluated: 2025-12-10. Review status: criteria provided, single submitter. Criteria: Invitae Variant Classification Sherloc (09022015). Collection method: clinical testing. Allele origin: germline.
Comment: This sequence change creates a premature translational stop signal (p.Arg739*) in the COG5 gene. It is expected to result in an absent or disrupted protein product. Loss-of-function variants in COG5 are known to be pathogenic (PMID: 23228021). This variant is present in population databases (rs762675426, gnomAD 0.006%). This variant has not been reported in the literature in individuals affected with COG5-related conditions. ClinVar contains an entry for this variant (Variation ID: 1391960). Algorithms developed to predict the effect of sequence changes on RNA splicing suggest that this variant may disrupt the consensus splice site. For these reasons, this variant has been classified as Pathogenic.

GeneDx
Classification: Likely pathogenic. Last evaluated: 2023-03-06. Review status: criteria provided, single submitter. Criteria: GeneDx Variant Classification Process June 2021. Collection method: clinical testing. Allele origin: germline. Affected: yes.
Comment: Nonsense variant predicted to result in protein truncation or nonsense mediated decay in a gene for which loss-of-function is a known mechanism of disease; Not observed at significant frequency in large population cohorts (gnomAD); Has not been previously published as pathogenic or benign to our knowledge

Literature cited by the submitters: PubMed 23228021 (cited by Labcorp Genetics (formerly Invitae), Labcorp).

NM_006348.5(COG5):c.2122C>T (p.Arg708Ter)

Gene: COG5 (component of oligomeric golgi complex 5; minus strand). Cytogenetic location: 7q22.3.
Variant type: single nucleotide variant.
Coding change: c.2122C>T on transcript NM_006348.5 (MANE Select); coding-DNA position 2122, C replaced by T.
Protein change: p.Arg708Ter; replaces arginine 708 with a stop codon.
Molecular consequence: nonsense. On other transcripts: intron variant (1).
Genome position (GRCh38, 1-based): chr7:107,230,661, G>A on the plus strand (C>T on the coding strand, the complement: COG5 is on the minus strand). VCF-style: chr7-107230661-G-A. GRCh37 (hg19) VCF-style: chr7-106871106-G-A.
Other names: c.2122C>T, p.Arg708Ter (NM_001161520.2, NM_001379513.1); c.1960C>T, p.Arg654Ter (NM_001379511.1); c.1948C>T, p.Arg650Ter (NM_001379512.1); c.1552C>T, p.Arg518Ter (NM_001379515.1); c.1408C>T, p.Arg470Ter (NM_001379516.1); c.2059C>T, p.Arg687Ter (NM_181733.4); c.1853+17735C>T (NM_001379514.1); c.2215C>T (NM_006348.3); short protein forms R654*, R687*, R470*, R518*, R708*, R650*.
Identifiers: ClinVar variation 1391960 (VCV001391960.6), dbSNP rs762675426, ClinGen allele CA4430686.